The following is an entry in ClinVar:

NM_000275.3(OCA2):c.1636+1G>T

Gene: OCA2 (OCA2 melanosomal transmembrane protein; minus strand). Cytogenetic location: 15q13.1.
Variant type: single nucleotide variant.
Coding change: c.1636+1G>T on transcript NM_000275.3 (MANE Select); the canonical splice donor site of the intron after coding-DNA position 1636, G replaced by T.
Molecular consequence: splice donor variant.
Genome position (GRCh38, 1-based): chr15:27,966,689, C>A on the plus strand (G>T on the coding strand, the complement: OCA2 is on the minus strand). VCF-style: chr15-27966689-C-A. GRCh37 (hg19) VCF-style: chr15-28211835-C-A.
Other names: c.1564+1G>T (NM_001300984.2).
Identifiers: ClinVar variation 2834099 (VCV002834099.3), dbSNP rs1182347499, ClinGen allele CA391356940.

ClinVar aggregate classification (germline): Likely pathogenic (1 of 4 stars; one submission).

Allele frequency attached by ClinVar (database versions not stated): gnomAD exomes below 0.00001.
gnomAD v4.1: 3 of 1,613,978 alleles (0.00019%); highest among the groups gnomAD compares: Non-Finnish European, 0.00025%; no homozygotes.

Submission:

Labcorp Genetics (formerly Invitae), Labcorp
Classification: Likely pathogenic. Last evaluated: 2023-02-03. Review status: criteria provided, single submitter. Criteria: Invitae Variant Classification Sherloc (09022015). Collection method: clinical testing. Allele origin: germline.
Comment: In summary, the currently available evidence indicates that the variant is pathogenic, but additional data are needed to prove that conclusively. Therefore, this variant has been classified as Likely Pathogenic. Algorithms developed to predict the effect of sequence changes on RNA splicing suggest that this variant may disrupt the consensus splice site. Disruption of this splice site has been observed in individual(s) with mild oculocutaneous albinism and/or oculocutaneous albinism (PMID: 12713581, 29345414). This variant is not present in population databases (gnomAD no frequency). This sequence change affects a donor splice site in intron 15 of the OCA2 gene. It is expected to disrupt RNA splicing. Variants that disrupt the donor or acceptor splice site typically lead to a loss of protein function (PMID: 16199547), and loss-of-function variants in OCA2 are known to be pathogenic (PMID: 19865097, 21541274).

Literature cited by the submitters: PubMed 12713581; PubMed 29345414; PubMed 16199547; PubMed 19865097; PubMed 21541274.